The following is an entry in ClinVar:

ClinVar aggregate classification (germline): Uncertain significance (1 of 4 stars; one submission).

Submission:

CeGaT Center for Human Genetics Tuebingen
Classification: Uncertain significance. Last evaluated: 2026-01-01. Review status: criteria provided, single submitter. Criteria: CeGaT Center For Human Genetics Tuebingen Variant Classification Criteria Version 2. Collection method: clinical testing. Allele origin: germline. Affected: yes. Observed: 1 variant allele.
Comment: ATP7A: PM2

NM_000052.7(ATP7A):c.1765C>G (p.His589Asp)

Gene: ATP7A (ATPase copper transporting alpha; plus strand). Cytogenetic location: Xq21.1.
Variant type: single nucleotide variant.
Coding change: c.1765C>G on transcript NM_000052.7 (MANE Select); coding-DNA position 1765, C replaced by G.
Protein change: p.His589Asp; replaces histidine 589 with aspartic acid.
Molecular consequence: missense variant.
Genome position (GRCh38, 1-based): chrX:78,009,159, C>G. VCF-style: chrX-78009159-C-G. GRCh37 (hg19) VCF-style: chrX-77264656-C-G.
Other names: c.1765C>G, p.His589Asp (NM_001282224.2); short protein forms H589D.
Identifiers: ClinVar variation 4822835 (VCV004822835.4).